The following is an entry in ClinVar:

ClinVar aggregate classification (germline): Uncertain significance. Review status: criteria provided, multiple submitters, no conflicts (2 of 4 stars). 3 submissions from 3 submitters: Uncertain significance (3). Last evaluated 2025-09-05.

Allele frequency attached by ClinVar (database versions not stated): ExAC 0.00004; gnomAD 0.00008 and 0.00009; gnomAD exomes 0.00008 and 0.00014; TOPMed 0.00013.
gnomAD v4.1: 213 of 1,545,160 alleles (0.014%); highest among the groups gnomAD compares: Middle Eastern, 0.084%; no homozygotes.

Submissions (3):

Ambry Genetics
Classification: Uncertain significance. Last evaluated: 2025-09-05. Review status: criteria provided, single submitter. Criteria: Ambry Variant Classification Scheme 2023. Collection method: clinical testing. Allele origin: germline.

Labcorp Genetics (formerly Invitae), Labcorp
Classification: Uncertain significance. Last evaluated: 2025-07-14. Review status: criteria provided, single submitter. Criteria: Invitae Variant Classification Sherloc (09022015). Collection method: clinical testing. Allele origin: germline.
Comment: This sequence change replaces glutamic acid, which is acidic and polar, with aspartic acid, which is acidic and polar, at codon 470 of the TOP2B protein (p.Glu470Asp). This variant is present in population databases (rs746161334, gnomAD 0.05%). This variant has not been reported in the literature in individuals affected with TOP2B-related conditions. ClinVar contains an entry for this variant (Variation ID: 1045570). An algorithm developed to predict the effect of missense changes on protein structure and function (PolyPhen-2) suggests that this variant is likely to be tolerated. In summary, the available evidence is currently insufficient to determine the role of this variant in disease. Therefore, it has been classified as a Variant of Uncertain Significance.

CeGaT Center for Human Genetics Tuebingen
Classification: Uncertain significance. Last evaluated: 2022-05-01. Review status: criteria provided, single submitter. Criteria: CeGaT Center For Human Genetics Tuebingen Variant Classification Criteria Version 2. Collection method: clinical testing. Allele origin: germline. Affected: yes. Observed: 1 variant allele.
Comment: TOP2B: PP2

NM_001330700.2(TOP2B):c.1425G>T (p.Glu475Asp)

Gene: TOP2B (DNA topoisomerase II beta; minus strand). Cytogenetic location: 3p24.2.
Variant type: single nucleotide variant.
Coding change: c.1425G>T on transcript NM_001330700.2 (MANE Select); coding-DNA position 1425, G replaced by T.
Protein change: p.Glu475Asp; replaces glutamic acid 475 with aspartic acid.
Molecular consequence: missense variant.
Genome position (GRCh38, 1-based): chr3:25,630,450, C>A on the plus strand (G>T on the coding strand, the complement: TOP2B is on the minus strand). VCF-style: chr3-25630450-C-A. GRCh37 (hg19) VCF-style: chr3-25671941-C-A.
Other names: c.1410G>T, p.Glu470Asp (NM_001068.3); c.1410G>T (NM_001068.2); short protein forms E470D, E475D.
Identifiers: ClinVar variation 1045570 (VCV001045570.32), dbSNP rs746161334, ClinGen allele CA2288677.